The following is an entry in ClinVar:

NM_001267550.2(TTN):c.62409G>A (p.Trp20803Ter)

Genes: TTN (titin; minus strand), TTN-AS1 (TTN antisense RNA 1; plus strand). Cytogenetic location: 2q31.2.
Variant type: single nucleotide variant.
Coding change: c.62409G>A on transcript NM_001267550.2 (MANE Select); coding-DNA position 62409, G replaced by A.
Protein change: p.Trp20803Ter; replaces tryptophan 20803 with a stop codon.
Molecular consequence: nonsense.
Genome position (GRCh38, 1-based): chr2:178,589,316, C>T on the plus strand (G>A on the coding strand, the complement: TTN is on the minus strand). VCF-style: chr2-178589316-C-T. GRCh37 (hg19) VCF-style: chr2-179454043-C-T.
Other names: c.57486G>A, p.Trp19162Ter (NM_001256850.1); c.35214G>A, p.Trp11738Ter (NM_003319.4); c.54705G>A, p.Trp18235Ter (NM_133378.4); c.35589G>A, p.Trp11863Ter (NM_133432.3); c.35790G>A, p.Trp11930Ter (NM_133437.4); short protein forms W11738*, W11863*, W18235*, W19162*, W20803*, W11930*.
Identifiers: ClinVar variation 2944336 (VCV002944336.3), dbSNP rs2469387223, ClinGen allele CA349464896.
Genomic context (GRCh38, chr2:178,589,316, plus strand): 5'-ACGGGTATCAATCTTGACCCTTGGTGATCTTGTTAAGTCTGTAGCGTCTTTGTCCTTGGT[C>T]CATGCAACTTCTGGGAATGGTTTGCCTCTAACCCCTGCCTCAAGCCTAATGGTGTCCCCT-3'

ClinVar aggregate classification (germline): Likely pathogenic (1 of 4 stars; one submission).

Conditions:
Dilated cardiomyopathy 1G (CMD1G). Identifiers: Orphanet 154, MedGen C1858763, MONDO:0011400, OMIM 604145.
Autosomal recessive limb-girdle muscular dystrophy type 2J (LGMDR10). Also called: MUSCULAR DYSTROPHY, LIMB-GIRDLE, AUTOSOMAL RECESSIVE 10; Limb-girdle muscular dystrophy, type 2J. Identifiers: Orphanet 140922, MedGen C1837342, MONDO:0012127, OMIM 608807.

Submission:

Labcorp Genetics (formerly Invitae), Labcorp
Classification: Likely pathogenic for Dilated cardiomyopathy 1G; Autosomal recessive limb-girdle muscular dystrophy type 2J. Last evaluated: 2023-03-30. Review status: criteria provided, single submitter. Criteria: Invitae Variant Classification Sherloc (09022015). Collection method: clinical testing. Allele origin: germline.
Comment: In summary, the currently available evidence indicates that the variant is pathogenic, but additional data are needed to prove that conclusively. Therefore, this variant has been classified as Likely Pathogenic. This variant is located in the A band of TTN (PMID: 25589632). Truncating variants in this region are significantly overrepresented in patients affected with dilated cardiomyopathy (PMID: 25589632). Truncating variants in this region have also been reported in individuals affected with autosomal recessive centronuclear myopathy (PMID: 23975875). This variant has not been reported in the literature in individuals affected with TTN-related conditions. This variant is not present in population databases (gnomAD no frequency). This sequence change creates a premature translational stop signal (p.Trp20803*) in the TTN gene. While this is not anticipated to result in nonsense mediated decay, it is expected to create a truncated TTN protein.

Literature cited by the submitters: PubMed 25589632; PubMed 23975875.